The following is an entry in ClinVar:

NM_000435.3(NOTCH3):c.6239G>A (p.Arg2080Gln)

Gene: NOTCH3 (notch receptor 3; minus strand). Cytogenetic location: 19p13.12.
Variant type: single nucleotide variant.
Coding change: c.6239G>A on transcript NM_000435.3 (MANE Select); coding-DNA position 6239, G replaced by A.
Protein change: p.Arg2080Gln; replaces arginine 2080 with glutamine.
Molecular consequence: missense variant.
Genome position (GRCh38, 1-based): chr19:15,161,389, C>T on the plus strand (G>A on the coding strand, the complement: NOTCH3 is on the minus strand). VCF-style: chr19-15161389-C-T. GRCh37 (hg19) VCF-style: chr19-15272200-C-T.
Other names: short protein forms R2080Q.
Identifiers: ClinVar variation 522479 (VCV000522479.32), dbSNP rs759896413, ClinGen allele CA9262395.

ClinVar aggregate classification (germline): Conflicting classifications of pathogenicity. Review status: criteria provided, conflicting classifications (1 of 4 stars). 5 submissions from 5 submitters: Uncertain significance (2); Likely benign (1). 2 of the submissions do not count toward it. Last evaluated 2025-10-21.

Conditions:
Cerebral arteriopathy, autosomal dominant, with subcortical infarcts and leukoencephalopathy, type 1 (CADASIL1). Also called: CADASIL 1; DEMENTIA, HEREDITARY MULTIINFARCT TYPE; CASIL; Cerebral arteriopathy with subcortical infarcts and leukoencephalopathy 1. Identifiers: Orphanet 136, MedGen C4551768, MONDO:0000914, OMIM 125310.
NOTCH3-related disorder. Also called: NOTCH3-related condition; NOTCH3-related disorders.

Allele frequency attached by ClinVar (database versions not stated): ExAC below 0.00001; gnomAD exomes 0.00002 and 0.00007; TOPMed 0.00006; gnomAD 0.00008 and 0.00009.
gnomAD v4.1: 103 of 1,524,334 alleles (0.0068%); highest among the groups gnomAD compares: Middle Eastern, 0.02%; no homozygotes.

Submissions (5):

Labcorp Genetics (formerly Invitae), Labcorp
Classification: Likely benign. Last evaluated: 2025-10-21. Review status: criteria provided, single submitter. Criteria: Invitae Variant Classification Sherloc (09022015). Collection method: clinical testing. Allele origin: germline.

CeGaT Center for Human Genetics Tuebingen
Classification: Uncertain significance. Last evaluated: 2024-04-01. Review status: criteria provided, single submitter. Criteria: CeGaT Center For Human Genetics Tuebingen Variant Classification Criteria Version 2. Collection method: clinical testing. Allele origin: germline. Affected: yes. Observed: 2 variant alleles.

Illumina Laboratory Services, Illumina
Classification: Uncertain significance for Cerebral arteriopathy, autosomal dominant, with subcortical infarcts and leukoencephalopathy, type 1. Last evaluated: 2018-01-13. Review status: criteria provided, single submitter. Criteria: ICSL Variant Classification Criteria 13 December 2019. Collection method: clinical testing. Allele origin: germline.

PreventionGenetics, part of Exact Sciences
Classification: Uncertain significance for NOTCH3-related condition. Last evaluated: 2024-07-11. Review status: no assertion criteria provided. Collection method: clinical testing. Allele origin: germline. Not counted in ClinVar's aggregate classification.
Comment: The NOTCH3 c.6239G>A variant is predicted to result in the amino acid substitution p.Arg2080Gln. To our knowledge, this variant has not been reported in the literature. This variant is reported in 0.010% of alleles in individuals of European (Non-Finnish) descent in gnomAD. At this time, the clinical significance of this variant is uncertain due to the absence of conclusive functional and genetic evidence.

Bioscientia Institut fuer Medizinische Diagnostik GmbH, Sonic Healthcare
Classification: Uncertain significance for Cerebral arteriopathy, autosomal dominant, with subcortical infarcts and leukoencephalopathy, type 1. Last evaluated: 2017-09-18. Review status: no assertion criteria provided. Collection method: clinical testing. Allele origin: germline. Affected: yes. Not counted in ClinVar's aggregate classification.